The following is an entry in ClinVar:

ClinVar aggregate classification (germline): Uncertain significance (1 of 4 stars; one submission).

Conditions:
Hyperekplexia 3 (HKPX3). Also called: HYPEREKPLEXIA 3, AUTOSOMAL RECESSIVE; HYPEREKPLEXIA 3, AUTOSOMAL DOMINANT. Identifiers: Orphanet 3197, MedGen C3553288, MONDO:0013827, OMIM 614618.

Allele frequency attached by ClinVar (database versions not stated): gnomAD 0.00001; TOPMed 0.00001.
gnomAD v4.1: 3 of 1,613,886 alleles (0.00019%); highest among the groups gnomAD compares: Non-Finnish European, 0.000085%; no homozygotes.

Submission:

Labcorp Genetics (formerly Invitae), Labcorp
Classification: Uncertain significance for Hyperekplexia 3. Last evaluated: 2022-09-07. Review status: criteria provided, single submitter. Criteria: Invitae Variant Classification Sherloc (09022015). Collection method: clinical testing. Allele origin: germline.
Comment: This sequence change replaces tyrosine, which is neutral and polar, with histidine, which is basic and polar, at codon 219 of the SLC6A5 protein (p.Tyr219His). In summary, the available evidence is currently insufficient to determine the role of this variant in disease. Therefore, it has been classified as a Variant of Uncertain Significance. Advanced modeling of protein sequence and biophysical properties (such as structural, functional, and spatial information, amino acid conservation, physicochemical variation, residue mobility, and thermodynamic stability) performed at Invitae indicates that this missense variant is expected to disrupt SLC6A5 protein function. ClinVar contains an entry for this variant (Variation ID: 1400567). This variant has not been reported in the literature in individuals affected with SLC6A5-related conditions. This variant is present in population databases (no rsID available, gnomAD 0.007%).

NM_004211.5(SLC6A5):c.655T>C (p.Tyr219His)

Gene: SLC6A5 (solute carrier family 6 member 5; plus strand). Cytogenetic location: 11p15.1.
Variant type: single nucleotide variant.
Coding change: c.655T>C on transcript NM_004211.5 (MANE Select); coding-DNA position 655, T replaced by C.
Protein change: p.Tyr219His; replaces tyrosine 219 with histidine.
Molecular consequence: missense variant. On other transcripts: intron variant (1).
Genome position (GRCh38, 1-based): chr11:20,604,400, T>C. VCF-style: chr11-20604400-T-C. GRCh37 (hg19) VCF-style: chr11-20625946-T-C.
Other names: c.-23-2607T>C (NM_001318369.2); short protein forms Y219H.
Identifiers: ClinVar variation 1400567 (VCV001400567.5), dbSNP rs1318357702, ClinGen allele CA379912966.